The following is an entry in ClinVar:

ClinVar aggregate classification (germline): Pathogenic (1 of 4 stars; one submission).

Submission:

Labcorp Genetics (formerly Invitae), Labcorp
Classification: Pathogenic. Last evaluated: 2022-06-14. Review status: criteria provided, single submitter. Criteria: Invitae Variant Classification Sherloc (09022015). Collection method: clinical testing. Allele origin: germline.
Comment: For these reasons, this variant has been classified as Pathogenic. This variant has not been reported in the literature in individuals affected with MNX1-related conditions. This variant is not present in population databases (gnomAD no frequency). This sequence change creates a premature translational stop signal (p.Ile201Profs*22) in the MNX1 gene. It is expected to result in an absent or disrupted protein product. Loss-of-function variants in MNX1 are known to be pathogenic (PMID: 10631160, 10749657, 16254195, 24095820).

Literature cited by the submitters: PubMed 10631160; PubMed 10749657; PubMed 16254195; PubMed 24095820.

NM_005515.4(MNX1):c.599_600dup (p.Ile201fs)

Gene: MNX1 (motor neuron and pancreas homeobox 1; minus strand). Cytogenetic location: 7q36.3.
Variant type: Duplication.
Coding change: c.599_600dup on transcript NM_005515.4 (MANE Select); coding-DNA positions 599 to 600, 2 bases duplicated (CC; older notation c.599_600dupCC).
Protein change: p.Ile201fs; shifts the reading frame from isoleucine 201.
Molecular consequence: frameshift variant.
Genome position (GRCh38, 1-based): chr7:157,009,751-157,009,752, GG duplicated on the plus strand (CC on the coding strand, the reverse complement: MNX1 is on the minus strand); duplicating any 2 consecutive bases within chr7:157,009,751-157,009,754 gives the same sequence; the c. name uses the placement nearest the transcript's 3' end. VCF-style (leftmost placement, unchanged base first): chr7-157009750-T-TGG. GRCh37 (hg19) VCF-style: chr7-156802444-T-TGG.
Other names: short protein forms I201fs.
Identifiers: ClinVar variation 2006188 (VCV002006188.4), dbSNP rs2537780039, ClinGen allele CA2580077761.
Genomic context (GRCh38, chr7:157,009,750, plus strand): 5'-TGCCCGCGGTGGACGCGCGCAGCCACTGGTCCAGCTGGAAGGTGCCGGCGCCCAGCTTGA[T>TGG]GGGGTCGGCGGGGTGCGCGGGGTGCGCGCCTTGCACCTGCGGGTACGAGTAGGAGAGCGC-3'